The following is an entry in ClinVar:

NM_005881.4(BCKDK):c.960C>T (p.Ile320=)

Gene: BCKDK (branched chain keto acid dehydrogenase kinase; plus strand). Cytogenetic location: 16p11.2.
Variant type: single nucleotide variant.
Coding change: c.960C>T on transcript NM_005881.4 (MANE Select); coding-DNA position 960, C replaced by T.
Protein change: p.Ile320=; no amino-acid change (isoleucine 320 retained).
Molecular consequence: synonymous variant.
Genome position (GRCh38, 1-based): chr16:31,111,893, C>T. VCF-style: chr16-31111893-C-T. GRCh37 (hg19) VCF-style: chr16-31123214-C-T.
Other names: c.960C>T, p.Ile320= (NM_001122957.4); c.870C>T, p.Ile290= (NM_001271926.3).
Identifiers: ClinVar variation 2646469 (VCV002646469.27), dbSNP rs999998050, ClinGen allele CA280572526.

ClinVar aggregate classification (germline): Likely benign. Review status: criteria provided, multiple submitters, no conflicts (2 of 4 stars). 2 submissions from 2 submitters: Likely benign (2). Last evaluated 2023-12-28.

Conditions:
Branched-chain keto acid dehydrogenase kinase deficiency (BCKDKD). Also called: BCKDK DEFICIENCY. Identifiers: Orphanet 308410, MedGen C3554078, MONDO:0013970, OMIM 614923.

Allele frequency attached by ClinVar (database versions not stated): gnomAD 0.00002; gnomAD exomes 0.00002; TOPMed 0.00002.
gnomAD v4.1: 32 of 1,613,986 alleles (0.002%); highest among the groups gnomAD compares: East Asian, 0.0022%; no homozygotes.

Submissions (2):

Labcorp Genetics (formerly Invitae), Labcorp
Classification: Likely benign for Branched-chain keto acid dehydrogenase kinase deficiency. Last evaluated: 2023-12-28. Review status: criteria provided, single submitter. Criteria: Invitae Variant Classification Sherloc (09022015). Collection method: clinical testing. Allele origin: germline.

CeGaT Center for Human Genetics Tuebingen
Classification: Likely benign. Last evaluated: 2023-09-01. Review status: criteria provided, single submitter. Criteria: CeGaT Center For Human Genetics Tuebingen Variant Classification Criteria Version 2. Collection method: clinical testing. Allele origin: germline. Affected: yes. Observed: 1 variant allele.
Comment: BCKDK: BP4, BP7